The following is an entry in ClinVar:

ClinVar aggregate classification (germline): Uncertain significance (1 of 4 stars; one submission).

Submission:

Labcorp Genetics (formerly Invitae), Labcorp
Classification: Uncertain significance. Last evaluated: 2024-03-19. Review status: criteria provided, single submitter. Criteria: Invitae Variant Classification Sherloc (09022015). Collection method: clinical testing. Allele origin: germline.
Comment: This sequence change replaces serine, which is neutral and polar, with leucine, which is neutral and non-polar, at codon 1535 of the MAST1 protein (p.Ser1535Leu). The frequency data for this variant in the population databases is considered unreliable, as metrics indicate poor data quality at this position in the gnomAD database. This variant has not been reported in the literature in individuals affected with MAST1-related conditions. An algorithm developed to predict the effect of missense changes on protein structure and function (PolyPhen-2) suggests that this variant is likely to be tolerated. In summary, the available evidence is currently insufficient to determine the role of this variant in disease. Therefore, it has been classified as a Variant of Uncertain Significance.

NM_014975.3(MAST1):c.4604_4605inv (p.Ser1535Leu)

Gene: MAST1 (microtubule associated serine/threonine kinase 1; plus strand). Cytogenetic location: 19p13.13.
Variant type: Inversion.
Coding change: c.4604_4605inv on transcript NM_014975.3 (MANE Select).
Protein change: p.Ser1535Leu; replaces serine 1535 with leucine.
Molecular consequence: missense variant.
Genome position: GRCh38 VCF-style: chr19-12874761-CA-TG. GRCh37 (hg19) VCF-style: chr19-12985575-CA-TG.
Other names: short protein forms S1535L.
Identifiers: ClinVar variation 3697356 (VCV003697356.2).